The following is an entry in ClinVar:

ClinVar aggregate classification (germline): Likely benign. Review status: criteria provided, multiple submitters, no conflicts (2 of 4 stars). 2 submissions from 2 submitters: Likely benign (2). Last evaluated 2026-01-19.

Allele frequency attached by ClinVar (database versions not stated): gnomAD exomes 0.00001; ExAC 0.00005; TOPMed 0.00013; ESP Exome Variant Server 0.00015; gnomAD 0.00017; 1000 Genomes Project 30x 0.00031; 1000 Genomes Project 0.00040.
gnomAD v4.1: 48 of 1,601,956 alleles (0.003%); highest among the groups gnomAD compares: African/African-American, 0.055%; 1 homozygote.

Submissions (2):

Labcorp Genetics (formerly Invitae), Labcorp
Classification: Likely benign. Last evaluated: 2026-01-19. Review status: criteria provided, single submitter. Criteria: Invitae Variant Classification Sherloc (09022015). Collection method: clinical testing. Allele origin: germline.

Mayo Clinic Laboratories, Mayo Clinic
Classification: Likely benign. Last evaluated: 2025-06-09. Review status: criteria provided, single submitter. Criteria: ACMG Guidelines, 2015. Collection method: clinical testing. Allele origin: germline. Observed: 1 variant allele.
Comment: BP4, BP7

NM_005138.3(SCO2):c.87G>A (p.Gln29=)

Genes: NCAPH2 (non-SMC condensin II complex subunit H2; plus strand), SCO2 (synthesis of cytochrome C oxidase 2; minus strand). Cytogenetic location: 22q13.33.
Variant type: single nucleotide variant.
Coding change: c.87G>A on transcript NM_005138.3 (MANE Select); coding-DNA position 87, G replaced by A.
Protein change: p.Gln29=; no amino-acid change (glutamine 29 retained).
Molecular consequence: synonymous variant. On other transcripts: 3 prime UTR variant (2).
Genome position (GRCh38, 1-based): chr22:50,524,325, C>T on the plus strand (G>A on the coding strand, the complement: SCO2 is on the minus strand). VCF-style: chr22-50524325-C-T. GRCh37 (hg19) VCF-style: chr22-50962754-C-T.
Other names: p.Gln29=; c.87G>A (NM_005138.2); c.*950C>T (NM_001185011.2, NM_152299.4); c.87G>A, p.Gln29= (NM_001169109.2, NM_001169110.1, NM_001169111.2).
Identifiers: ClinVar variation 2060707 (VCV002060707.5), dbSNP rs112989119, ClinGen allele CA10321299.